The following is an entry in ClinVar:

ClinVar aggregate classification (germline): Uncertain significance. Review status: criteria provided, multiple submitters, no conflicts (2 of 4 stars). 2 submissions from 2 submitters: Uncertain significance (2). Last evaluated 2023-05-16.

gnomAD v4.1: 1 of 1,612,246 alleles (0.000062%); highest among the groups gnomAD compares: Non-Finnish European, 0.000085%; no homozygotes.

Submissions (2):

Revvity Omics, Revvity
Classification: Uncertain significance. Last evaluated: 2023-05-16. Review status: criteria provided, single submitter. Criteria: ACMG Guidelines, 2015. Collection method: clinical testing. Allele origin: germline.

GeneDx
Classification: Uncertain significance. Last evaluated: 2022-01-20. Review status: criteria provided, single submitter. Criteria: GeneDx Variant Classification Process June 2021. Collection method: clinical testing. Allele origin: germline. Affected: yes.
Comment: Not observed at significant frequency in large population cohorts (gnomAD); In silico analysis supports that this missense variant does not alter protein structure/function; Has not been previously published as pathogenic or benign to our knowledge

NM_052867.4(NALCN):c.2914A>T (p.Met972Leu)

Gene: NALCN (sodium leak channel, non-selective; minus strand). Cytogenetic location: 13q33.1.
Variant type: single nucleotide variant.
Coding change: c.2914A>T on transcript NM_052867.4 (MANE Select); coding-DNA position 2914, A replaced by T.
Protein change: p.Met972Leu; replaces methionine 972 with leucine.
Molecular consequence: missense variant.
Genome position (GRCh38, 1-based): chr13:101,103,315, T>A on the plus strand (A>T on the coding strand, the complement: NALCN is on the minus strand). VCF-style: chr13-101103315-T-A. GRCh37 (hg19) VCF-style: chr13-101755666-T-A.
Other names: c.3001A>T, p.Met1001Leu (NM_001350748.2); c.2914A>T, p.Met972Leu (NM_001350749.2); c.2827A>T, p.Met943Leu (NM_001350750.2, NM_001350751.2); short protein forms M1001L, M943L, M972L.
Identifiers: ClinVar variation 1698354 (VCV001698354.4), dbSNP rs2139609113, ClinGen allele CA388669412.